The following is an entry in ClinVar:

ClinVar aggregate classification (germline): Likely pathogenic (1 of 4 stars; one submission).

Conditions:
Neuropathy, hereditary sensory and autonomic, type 2A (HSAN2A). Also called: WNK1-Related HSAN2 (HSAN2A); ACROOSTEOLYSIS, GIACCAI TYPE; ACROOSTEOLYSIS, NEUROGENIC; MORVAN DISEASE; NEUROPATHY, CONGENITAL SENSORY; NEUROPATHY, HEREDITARY SENSORY RADICULAR, AUTOSOMAL RECESSIVE. Identifiers: Orphanet 970, MedGen C2752089, MONDO:0024309, OMIM 201300.
Generalized epilepsy with febrile seizures plus, type 7 (GEFSP7). Also called: GEFS+, TYPE 7. Identifiers: Orphanet 36387, MedGen C2751778, MONDO:0013470, OMIM 613863.

Submission:

Labcorp Genetics (formerly Invitae), Labcorp
Classification: Likely pathogenic for Neuropathy, hereditary sensory and autonomic, type 2A; Generalized epilepsy with febrile seizures plus, type 7. Last evaluated: 2020-06-02. Review status: criteria provided, single submitter. Criteria: Invitae Variant Classification Sherloc (09022015). Collection method: clinical testing. Allele origin: germline.
Comment: This sequence change replaces aspartic acid with alanine at codon 1948 of the SCN9A protein (p.Asp1948Ala). The aspartic acid residue is highly conserved and there is a moderate physicochemical difference between aspartic acid and alanine. This variant is not present in population databases (ExAC no frequency). This variant has been shown to arise de novo in an individual affected intractable generalized epilepsy and static encephalopathy (Invitae database). This variant identified in the SCN9A gene is located in the cytoplasmic C-terminal region of the resulting protein (PMID: 25348405). It is unclear how this variant impacts the function of this protein. Algorithms developed to predict the effect of missense changes on protein structure and function do not agree on the potential impact of this missense change (SIFT: "Tolerated"; PolyPhen-2: "Probably Damaging"; Align-GVGD: "Class C0"). In summary, this variant is a rare missense change that has been observed to occur de novo in an affected individual. This evidence indicates that the variant is pathogenic, but additional data is needed to prove that conclusively. Therefore, this variant has been classified as Likely Pathogenic.

Literature cited by the submitters: PubMed 25348405.

NM_001365536.1(SCN9A):c.5876A>C (p.Asp1959Ala)

Genes: SCN9A (sodium voltage-gated channel alpha subunit 9; minus strand), SCN1A-AS1 (SCN1A and SCN9A antisense RNA 1; plus strand). Cytogenetic location: 2q24.3.
Variant type: single nucleotide variant.
Coding change: c.5876A>C on transcript NM_001365536.1 (MANE Select); coding-DNA position 5876, A replaced by C.
Protein change: p.Asp1959Ala; replaces aspartic acid 1959 with alanine.
Molecular consequence: missense variant.
Genome position (GRCh38, 1-based): chr2:166,198,763, T>G on the plus strand (A>C on the coding strand, the complement: SCN9A is on the minus strand). VCF-style: chr2-166198763-T-G. GRCh37 (hg19) VCF-style: chr2-167055273-T-G.
Other names: c.5843A>C, p.Asp1948Ala (NM_002977.4); short protein forms D1948A, D1959A.
Identifiers: ClinVar variation 408574 (VCV000408574.9), dbSNP rs1060502047, ClinGen allele CA16610170.
Genomic context (GRCh38, chr2:166,198,763, plus strand): 5'-TTGTCTTCCTTTTCTGTTCTGTCTTGTTCATATTTCTCTTTGTCTGGCTTTGTTACACTA[T>G]CATATGAAGGTGGAGAGGTGGTGGATGAAGTGGCATCTGTTTTTTCTGGACTTGAGTTCT-3'
Protein context (NP_001352465.1, residues 1949-1969): TSSTTSPPSY[Asp1959Ala]SVTKPDKEKY